The following is an entry in ClinVar:

NM_017617.5(NOTCH1):c.2257A>C (p.Asn753His)

Gene: NOTCH1 (notch receptor 1; minus strand). Cytogenetic location: 9q34.3.
Variant type: single nucleotide variant.
Coding change: c.2257A>C on transcript NM_017617.5 (MANE Select); coding-DNA position 2257, A replaced by C.
Protein change: p.Asn753His; replaces asparagine 753 with histidine.
Molecular consequence: missense variant.
Genome position (GRCh38, 1-based): chr9:136,513,488, T>G on the plus strand (A>C on the coding strand, the complement: NOTCH1 is on the minus strand). VCF-style: chr9-136513488-T-G. GRCh37 (hg19) VCF-style: chr9-139407940-T-G.
Other names: short protein forms N753H.
Identifiers: ClinVar variation 1715032 (VCV001715032.5), dbSNP rs2540453049, ClinGen allele CA375557211.

ClinVar aggregate classification (germline): Uncertain significance (1 of 4 stars; one submission).

Conditions:
Adams-Oliver syndrome 5 (AOS5). Identifiers: Orphanet 974, MedGen C4014970, MONDO:0014459, OMIM 616028.

Submission:

Labcorp Genetics (formerly Invitae), Labcorp
Classification: Uncertain significance for Adams-Oliver syndrome 5. Last evaluated: 2022-08-04. Review status: criteria provided, single submitter. Criteria: Invitae Variant Classification Sherloc (09022015). Collection method: clinical testing. Allele origin: germline.
Comment: In summary, the available evidence is currently insufficient to determine the role of this variant in disease. Therefore, it has been classified as a Variant of Uncertain Significance. Advanced modeling of protein sequence and biophysical properties (such as structural, functional, and spatial information, amino acid conservation, physicochemical variation, residue mobility, and thermodynamic stability) performed at Invitae indicates that this missense variant is not expected to disrupt NOTCH1 protein function. This variant has not been reported in the literature in individuals affected with NOTCH1-related conditions. This variant is not present in population databases (gnomAD no frequency). This sequence change replaces asparagine, which is neutral and polar, with histidine, which is basic and polar, at codon 753 of the NOTCH1 protein (p.Asn753His).